The following is an entry in ClinVar:

ClinVar aggregate classification (germline): Uncertain significance. Review status: criteria provided, multiple submitters, no conflicts (2 of 4 stars). 2 submissions from 2 submitters: Uncertain significance (2). Last evaluated 2025-02-26.

Conditions:
Inborn genetic diseases. Identifiers: MedGen C0950123, MeSH D030342.

Allele frequency attached by ClinVar (database versions not stated): gnomAD exomes 0.00001 and 0.00002; ExAC 0.00002; gnomAD 0.00002; TOPMed 0.00002.
gnomAD v4.1: 37 of 1,613,988 alleles (0.0023%); highest among the groups gnomAD compares: Non-Finnish European, 0.003%; no homozygotes.

Submissions (2):

ARUP Laboratories, Molecular Genetics and Genomics, ARUP Laboratories
Classification: Uncertain significance. Last evaluated: 2025-02-26. Review status: criteria provided, single submitter. Criteria: ARUP Molecular Germline Variant Investigation Process 2024. Collection method: clinical testing. Allele origin: germline.
Comment: The SPTB c.5737C>T; p.Arg1913Cys variant (rs752611530), to our knowledge, is not reported in the medical literature but is reported in ClinVar (Variation ID: 1330415). This variant is only observed on three alleles in the Genome Aggregation Database (v2.1.1), indicating it is not a common polymorphism. Computational analyses are uncertain whether this variant is neutral or deleterious (REVEL: 0.463). Due to limited information, the clinical significance of this variant is uncertain at this time.

Ambry Genetics
Classification: Uncertain significance for Inborn genetic diseases. Last evaluated: 2023-04-26. Review status: criteria provided, single submitter. Criteria: Ambry Variant Classification Scheme 2023. Collection method: clinical testing. Allele origin: germline.

NM_001355436.2(SPTB):c.5737C>T (p.Arg1913Cys)

Gene: SPTB (spectrin beta, erythrocytic; minus strand). Cytogenetic location: 14q23.3.
Variant type: single nucleotide variant.
Coding change: c.5737C>T on transcript NM_001355436.2 (MANE Select); coding-DNA position 5737, C replaced by T.
Protein change: p.Arg1913Cys; replaces arginine 1913 with cysteine.
Molecular consequence: missense variant.
Genome position (GRCh38, 1-based): chr14:64,770,946, G>A on the plus strand (C>T on the coding strand, the complement: SPTB is on the minus strand). VCF-style: chr14-64770946-G-A. GRCh37 (hg19) VCF-style: chr14-65237664-G-A.
Other names: NM_000347.5:c.5737C>T; c.5737C>T, p.Arg1913Cys (NM_001024858.4, NM_001355437.2); short protein forms R1913C.
Identifiers: ClinVar variation 1330415 (VCV001330415.10), dbSNP rs752611530, ClinGen allele CA7229876.